The following is an entry in ClinVar:

NM_005378.6(MYCN):c.-9G>A

Genes: MYCN (MYCN proto-oncogene, bHLH transcription factor; plus strand), MYCNOS (MYCN opposite strand; minus strand). Cytogenetic location: 2p24.3.
Variant type: single nucleotide variant.
Coding change: c.-9G>A on transcript NM_005378.6 (MANE Select); 9 bases upstream of the start codon, G replaced by A.
Molecular consequence: 5 prime UTR variant. On other transcripts: missense variant (1), intron variant (1).
Genome position (GRCh38, 1-based): chr2:15,942,056, G>A. VCF-style: chr2-15942056-G-A. GRCh37 (hg19) VCF-style: chr2-16082178-G-A.
Other names: c.-9G>A (NM_001293228.2); c.266G>A, p.Arg89Lys (NM_001293233.2); c.157+1313G>A (NM_001293231.2); short protein forms R89K.
Identifiers: ClinVar variation 4988588 (VCV004988588.1).
Genomic context (GRCh38, chr2:15,942,056, plus strand): 5'-GAAGCACCCCCGGTATTAAAACGAACGGGGCGGAAAGAAGCCCTCAGTCGCCGGCCGGGA[G>A]GCGAGCCGATGCCGAGCTGCTCCACGTCCACCATGCCGGGCATGATCTGCAAGAACCCAG-3'

ClinVar aggregate classification (germline): Uncertain significance (1 of 4 stars; one submission).

Conditions:
MYCN-related disorder. Also called: MYCN-related condition.

gnomAD v4.1: 62 of 1,613,276 alleles (0.0038%); highest among the groups gnomAD compares: Admixed American, 0.043%; no homozygotes.

Submission:

PreventionGenetics, part of Exact Sciences
Classification: Uncertain significance for MYCN-related condition. Last evaluated: 2026-08-02. Review status: criteria provided, single submitter. Criteria: ACMG Guidelines, 2015. Collection method: clinical testing. Allele origin: germline.
Comment: The MYCN c.266G>A variant is predicted to result in the amino acid substitution p.Arg89Lys. To our knowledge, this variant has not been reported in the literature. This variant is reported in 0.023% of alleles in individuals of Latino descent in gnomAD. At this time, the clinical significance of this variant is uncertain due to the absence of conclusive functional and genetic evidence.